The following is an entry in ClinVar:

NM_000088.4(COL1A1):c.3301G>T (p.Glu1101Ter)

Gene: COL1A1 (collagen type I alpha 1 chain; minus strand). Cytogenetic location: 17q21.33.
Variant type: single nucleotide variant.
Coding change: c.3301G>T on transcript NM_000088.4 (MANE Select); coding-DNA position 3301, G replaced by T.
Protein change: p.Glu1101Ter; replaces glutamic acid 1101 with a stop codon.
Molecular consequence: nonsense.
Genome position (GRCh38, 1-based): chr17:50,187,944, C>A on the plus strand (G>T on the coding strand, the complement: COL1A1 is on the minus strand). VCF-style: chr17-50187944-C-A. GRCh37 (hg19) VCF-style: chr17-48265305-C-A.
Other names: short protein forms E1101*.
Identifiers: ClinVar variation 523870 (VCV000523870.11), dbSNP rs867628651, ClinGen allele CA400199821.

ClinVar aggregate classification (germline): Pathogenic. Review status: criteria provided, multiple submitters, no conflicts (2 of 4 stars). 2 submissions from 2 submitters: Pathogenic (2). Last evaluated 2024-09-21.

Conditions:
Osteogenesis imperfecta type I (OI1). Also called: OI, TYPE I; OSTEOGENESIS IMPERFECTA TARDA; OSTEOGENESIS IMPERFECTA WITH BLUE SCLERAE; Osteogenesis imperfecta type 1; Classic Non-deforming Osteogenesis Imperfecta with Blue Sclerae; Lobstein's Disease. Identifiers: Orphanet 216796, Orphanet 666, MedGen C0023931, MONDO:0008146, OMIM 166200. Disease mechanism: loss of function.

Submissions (2):

Labcorp Genetics (formerly Invitae), Labcorp
Classification: Pathogenic for Osteogenesis imperfecta type I. Last evaluated: 2024-09-21. Review status: criteria provided, single submitter. Criteria: Invitae Variant Classification Sherloc (09022015). Collection method: clinical testing. Allele origin: germline.
Comment: This sequence change creates a premature translational stop signal (p.Glu1101*) in the COL1A1 gene. It is expected to result in an absent or disrupted protein product. Loss-of-function variants in COL1A1 are known to be pathogenic (PMID: 7942841, 9295084, 9443882). This variant is not present in population databases (gnomAD no frequency). This variant has not been reported in the literature in individuals affected with COL1A1-related conditions. ClinVar contains an entry for this variant (Variation ID: 523870). For these reasons, this variant has been classified as Pathogenic.

GeneDx
Classification: Pathogenic. Last evaluated: 2024-09-05. Review status: criteria provided, single submitter. Criteria: GeneDx Variant Classification Process June 2021. Collection method: clinical testing. Allele origin: germline. Affected: yes.
Comment: Nonsense variant predicted to result in protein truncation or nonsense mediated decay in a gene for which loss of function is a known mechanism of disease; Not observed at significant frequency in large population cohorts (gnomAD); Has not been previously published as pathogenic or benign to our knowledge

Literature cited by the submitters: PubMed 7942841 (cited by Labcorp Genetics (formerly Invitae), Labcorp); PubMed 9295084 (cited by Labcorp Genetics (formerly Invitae), Labcorp); PubMed 9443882 (cited by Labcorp Genetics (formerly Invitae), Labcorp).